The following is an entry in ClinVar:

ClinVar aggregate classification (germline): Uncertain significance (1 of 4 stars; one submission).

Allele frequency attached by ClinVar (database versions not stated): gnomAD exomes below 0.00001; ExAC 0.00001.
gnomAD v4.1: 4 of 1,614,234 alleles (0.00025%); highest among the groups gnomAD compares: South Asian, 0.0011%; no homozygotes.

Submission:

Labcorp Genetics (formerly Invitae), Labcorp
Classification: Uncertain significance. Last evaluated: 2022-07-05. Review status: criteria provided, single submitter. Criteria: Invitae Variant Classification Sherloc (09022015). Collection method: clinical testing. Allele origin: germline.
Comment: This sequence change replaces threonine, which is neutral and polar, with alanine, which is neutral and non-polar, at codon 256 of the BACH2 protein (p.Thr256Ala). This variant is present in population databases (rs760377127, gnomAD 0.0009%). This variant has not been reported in the literature in individuals affected with BACH2-related conditions. ClinVar contains an entry for this variant (Variation ID: 1471720). Algorithms developed to predict the effect of missense changes on protein structure and function output the following: SIFT: "Deleterious"; PolyPhen-2: "Benign"; Align-GVGD: "Class C0". The alanine amino acid residue is found in multiple mammalian species, which suggests that this missense change does not adversely affect protein function. In summary, the available evidence is currently insufficient to determine the role of this variant in disease. Therefore, it has been classified as a Variant of Uncertain Significance.

NM_021813.4(BACH2):c.766A>G (p.Thr256Ala)

Gene: BACH2 (BACH transcriptional regulator 2; minus strand). Cytogenetic location: 6q15.
Variant type: single nucleotide variant.
Coding change: c.766A>G on transcript NM_021813.4 (MANE Select); coding-DNA position 766, A replaced by G.
Protein change: p.Thr256Ala; replaces threonine 256 with alanine.
Molecular consequence: missense variant.
Genome position (GRCh38, 1-based): chr6:89,951,340, T>C on the plus strand (A>G on the coding strand, the complement: BACH2 is on the minus strand). VCF-style: chr6-89951340-T-C. GRCh37 (hg19) VCF-style: chr6-90661059-T-C.
Other names: c.766A>G, p.Thr256Ala (NM_001170794.2); short protein forms T256A.
Identifiers: ClinVar variation 1471720 (VCV001471720.8), dbSNP rs760377127, ClinGen allele CA3928113.